The following is an entry in ClinVar:

ClinVar aggregate classification (germline): Pathogenic/Likely pathogenic. Review status: criteria provided, multiple submitters, no conflicts (2 of 4 stars). 2 submissions from 2 submitters: Pathogenic (1); Likely pathogenic (1). Last evaluated 2025-10-07.

Conditions:
Autosomal recessive nonsyndromic hearing loss 84A. Also called: DEAFNESS, AUTOSOMAL RECESSIVE 84A; DEAFNESS, AUTOSOMAL RECESSIVE 84A, WITH VESTIBULAR DYSFUNCTION. Identifiers: Orphanet 90636, MedGen C3150654, MONDO:0013249, OMIM 613391.

gnomAD v4.1: 25 of 1,546,608 alleles (0.0016%); highest among the groups gnomAD compares: Admixed American, 0.0039%; no homozygotes.

Submissions (2):

Clinical Genetics Laboratory, Skane University Hospital Lund
Classification: Likely pathogenic for Autosomal recessive nonsyndromic hearing loss 84A. Last evaluated: 2025-10-07. Review status: criteria provided, single submitter. Criteria: ACMG Guidelines, 2015. Collection method: clinical testing. Allele origin: germline. Affected: yes.
Comment: PS1, PM2

Institute of Rare Diseases, West China Hospital, Sichuan University
Classification: Pathogenic for Autosomal recessive nonsyndromic hearing loss 84A. Last evaluated: 2025-01-09. Review status: criteria provided, single submitter. Criteria: ClinGen HL ACMG Specifications v1. Collection method: research. Allele origin: germline. Affected: yes.
Comment: PVS1;PM3_Supporting;PM2_Supporting

NM_001145026.2(PTPRQ):c.5239C>T (p.Arg1747Ter)

Gene: PTPRQ (protein tyrosine phosphatase receptor type Q; plus strand). Cytogenetic location: 12q21.31.
Variant type: single nucleotide variant.
Coding change: c.5239C>T on transcript NM_001145026.2 (MANE Select); coding-DNA position 5239, C replaced by T.
Protein change: p.Arg1747Ter; replaces arginine 1747 with a stop codon.
Molecular consequence: nonsense.
Genome position (GRCh38, 1-based): chr12:80,619,392, C>T. VCF-style: chr12-80619392-C-T. GRCh37 (hg19) VCF-style: chr12-81013171-C-T.
Other names: short protein forms R1747*.
Identifiers: ClinVar variation 3601706 (VCV003601706.2).